The following is an entry in ClinVar:

ClinVar aggregate classification (germline): Pathogenic. Review status: criteria provided, multiple submitters, no conflicts (2 of 4 stars). 3 submissions from 3 submitters: Pathogenic (3). Last evaluated 2026-03-02.

Conditions:
Diffuse cerebral and cerebellar atrophy - intractable seizures - progressive microcephaly syndrome. Also called: Microcephaly, progressive, with seizures and cerebral and cerebellar atrophy. Identifiers: Orphanet 404437, MedGen C4014239, MONDO:0014335, OMIM 615760.

Allele frequency attached by ClinVar (database versions not stated): ExAC 0.00002; gnomAD exomes 0.00002 and 0.00003; TOPMed 0.00003; gnomAD 0.00001.
gnomAD v4.1: 43 of 1,613,828 alleles (0.0027%); highest among the groups gnomAD compares: Admixed American, 0.0033%; no homozygotes.

Submissions (3):

GeneDx
Classification: Pathogenic. Last evaluated: 2026-03-02. Review status: criteria provided, single submitter. Criteria: GeneDx Variant Classification Process June 2021. Collection method: clinical testing. Allele origin: germline.
Comment: Reported previously, in trans with a second variant, in a patient with progressive microcephaly with diffuse cerebral atrophy (PMID: 25432320); Published functional studies demonstrate a damaging effect and indicate that this variant impacts the function of the QARS protein (PMID: 27276562); Nonsense variant predicted to result in protein truncation or nonsense mediated decay in a gene for which loss of function is a known mechanism of disease; Not observed at significant frequency in large population cohorts (gnomAD); This variant is associated with the following publications: (PMID: 28534666, 28056632, 34426522, 31440721, 25432320, 27276562)

Labcorp Genetics (formerly Invitae), Labcorp
Classification: Pathogenic for Diffuse cerebral and cerebellar atrophy - intractable seizures - progressive microcephaly syndrome. Last evaluated: 2024-10-31. Review status: criteria provided, single submitter. Criteria: Invitae Variant Classification Sherloc (09022015). Collection method: clinical testing. Allele origin: germline.
Comment: This sequence change creates a premature translational stop signal (p.Arg463*) in the QARS gene. It is expected to result in an absent or disrupted protein product. Loss-of-function variants in QARS are known to be pathogenic (PMID: 24656866, 25471517). This variant is present in population databases (rs755674457, gnomAD 0.007%). This premature translational stop signal has been observed in individual(s) with progressive microcephaly with seizures and cerebral atrophy (PMID: 25432320). ClinVar contains an entry for this variant (Variation ID: 477827). For these reasons, this variant has been classified as Pathogenic.

Genomic Medicine Center of Excellence, King Faisal Specialist Hospital and Research Centre
Classification: Pathogenic for Diffuse cerebral and cerebellar atrophy - intractable seizures - progressive microcephaly syndrome. Last evaluated: 2024-09-22. Review status: criteria provided, single submitter. Criteria: ACMG Guidelines, 2015. Collection method: clinical testing. Allele origin: germline.

Literature cited by the submitters: PubMed 24656866 (cited by Labcorp Genetics (formerly Invitae), Labcorp); PubMed 25471517 (cited by Labcorp Genetics (formerly Invitae), Labcorp); PubMed 25432320 (cited by Labcorp Genetics (formerly Invitae), Labcorp).

NM_005051.3(QARS1):c.1387C>T (p.Arg463Ter)

Gene: QARS1 (glutaminyl-tRNA synthetase 1; minus strand). Cytogenetic location: 3p21.31.
Variant type: single nucleotide variant.
Coding change: c.1387C>T on transcript NM_005051.3 (MANE Select); coding-DNA position 1387, C replaced by T.
Protein change: p.Arg463Ter; replaces arginine 463 with a stop codon.
Molecular consequence: nonsense. On other transcripts: non-coding transcript variant (1).
Genome position (GRCh38, 1-based): chr3:49,099,762, G>A on the plus strand (C>T on the coding strand, the complement: QARS1 is on the minus strand). VCF-style: chr3-49099762-G-A. GRCh37 (hg19) VCF-style: chr3-49137195-G-A.
Other names: c.1354C>T, p.Arg452Ter (NM_001272073.2); short protein forms R463*, R452*.
Identifiers: ClinVar variation 477827 (VCV000477827.9), dbSNP rs755674457, ClinGen allele CA2391772.